The following is an entry in ClinVar:

NM_152443.3(RDH12):c.806C>G (p.Ala269Gly)

Genes: GPHN (gephyrin; plus strand), RDH12 (retinol dehydrogenase 12; plus strand), ZFYVE26 (zinc finger FYVE-type containing 26; minus strand). Cytogenetic location: 14q24.1.
Variant type: single nucleotide variant.
Coding change: c.806C>G on transcript NM_152443.3 (MANE Select); coding-DNA position 806, C replaced by G.
Protein change: p.Ala269Gly; replaces alanine 269 with glycine.
Molecular consequence: missense variant.
Genome position (GRCh38, 1-based): chr14:67,729,338, C>G. VCF-style: chr14-67729338-C-G. GRCh37 (hg19) VCF-style: chr14-68196055-C-G.
Other names: short protein forms A269G.
Identifiers: ClinVar variation 767105 (VCV000767105.23), dbSNP rs116802390, ClinGen allele CA7238822.
Genomic context (GRCh38, chr14:67,729,338, plus strand): 5'-GGCTCTTCTCCCCCTTTGTCAAGACGGCACGGGAGGGGGCGCAGACCAGCCTGCACTGCG[C>G]CCTGGCTGAGGGCCTGGAGCCCCTGAGTGGCAAGTACTTCAGGTGTGTGAAGGCAATGCG-3'
Protein context (NP_689656.2, residues 259-279): REGAQTSLHC[Ala269Gly]LAEGLEPLSG

ClinVar aggregate classification (germline): Conflicting classifications of pathogenicity. Review status: criteria provided, conflicting classifications (1 of 4 stars). 8 submissions from 8 submitters: Pathogenic (1); Likely pathogenic (6); Uncertain significance (1). Last evaluated 2026-05-11.

Conditions:
Leber congenital amaurosis 13 (LCA13). Identifiers: MedGen C2675186, MONDO:0012990, OMIM 612712.
Macular dystrophy with or without cone dysfunction (MDCD). Identifiers: MedGen C5935594, MONDO:0958326, OMIM 620762.
Leber congenital amaurosis (LCA). Also called: Leber's amaurosis. Identifiers: Orphanet 65, MedGen C0339527, MeSH D057130, MONDO:0018998.
RDH12-related disorder. Also called: RDH12-related disorders; RDH12-related condition.

Allele frequency attached by ClinVar (database versions not stated): gnomAD exomes 0.00003 and 0.00026; gnomAD 0.00007; TOPMed 0.00009; 1000 Genomes Project 0.00020; ExAC 0.00027.
gnomAD v4.1: 49 of 1,598,444 alleles (0.0031%); highest among the groups gnomAD compares: East Asian, 0.1%; no homozygotes.

Submissions (8):

PreventionGenetics, part of Exact Sciences
Classification: Likely pathogenic for RDH12-related condition. Last evaluated: 2026-05-11. Review status: criteria provided, single submitter. Criteria: ACMG Guidelines, 2015. Collection method: clinical testing. Allele origin: germline.
Comment: The RDH12 c.806C>G variant is predicted to result in the amino acid substitution p.Ala269Gly. This variant has been reported in individuals with autosomal recessive cone-rod dystrophy or inherited retinal disease (Huang et al. 2016. PubMed ID: 26992781; Supplementary data 1, Chen et al. 2021. PubMed ID: 33608557; Xin et al. 2016. PubMed ID: 26848971; Kuo et al. 2023. PubMed ID: 36690427). This variant is reported in 0.36% of alleles in individuals of East Asian descent in gnomAD. This variant is interpreted as likely pathogenic.

Labcorp Genetics (formerly Invitae), Labcorp
Classification: Uncertain significance for Leber congenital amaurosis 13. Last evaluated: 2025-11-15. Review status: criteria provided, single submitter. Criteria: Invitae Variant Classification Sherloc (09022015). Collection method: clinical testing. Allele origin: germline.
Comment: This sequence change replaces alanine, which is neutral and non-polar, with glycine, which is neutral and non-polar, at codon 269 of the RDH12 protein (p.Ala269Gly). This variant is present in population databases (rs116802390, gnomAD 0.4%). This missense change has been observed in individual(s) with autosomal recessive RDH12-related conditions (PMID: 26992781, 33608557, 35994252, 36690427). In at least one individual the data is consistent with being in trans (on the opposite chromosome) from a pathogenic variant. It has also been observed to segregate with disease in related individuals. ClinVar contains an entry for this variant (Variation ID: 767105). Invitae Evidence Modeling of protein sequence and biophysical properties (such as structural, functional, and spatial information, amino acid conservation, physicochemical variation, residue mobility, and thermodynamic stability) indicates that this missense variant is not expected to disrupt RDH12 protein function with a negative predictive value of 80%. In summary, the available evidence is currently insufficient to determine the role of this variant in disease. Therefore, it has been classified as a Variant of Uncertain Significance.

3billion
Classification: Pathogenic for Leber congenital amaurosis 13. Last evaluated: 2025-10-08. Review status: criteria provided, single submitter. Criteria: ACMG Guidelines, 2015. Collection method: clinical testing. Allele origin: germline. Affected: yes.
Comment: The variant is observed at an extremely low frequency in the gnomAD v4.1.0 dataset (total allele frequency: 0.003%). Predicted Consequence/Location: Missense variant In silico tool predictions suggest damaging effect of the variant on gene or gene product [REVEL: 0.67 (>=0.6, sensitivity 0.68 and specificity 0.92)]. The same nucleotide change resulting in the same amino acid change has been previously reported as pathogenic/likely pathogenic with strong evidence (ClinVar ID: VCV000767105 /PMID: 26992781 /3billion dataset). The variant has been reported to be in trans with a pathogenic variant as either compound heterozygous or homozygous in at least one similarly affected unrelated individual (PMID: 26992781, 33608557). A different missense change at the same codon (p.Ala269Pro) has been reported to be associated with RDH12-related disorder (ClinVar ID: VCV000977815). Therefore, this variant is classified as Pathogenic according to the recommendation of ACMG/AMP guideline.

Natera, Inc.
Classification: Likely pathogenic for Leber congenital amaurosis. Last evaluated: 2025-07-10. Review status: criteria provided, single submitter. Criteria: Natera Variant Classification Schema (03/2026). Collection method: clinical testing. Allele origin: germline.
Comment: The c.806C>G variant in RDH12 is a missense variant predicted to cause substitution of alanine to glycine at amino acid 269. This variant is rare in the general population with a frequency below the threshold expected for the associated phenotype(s). This variant has been observed in one or more individuals affected with the associated recessive disease, as either homozygous or compound heterozygous with a second variant (PMID: 26992781, 33608557, 35994252, 39142122). Computational prediction algorithms indicate this variant is likely to affect gene or protein function. Given the available evidence, this variant is classified as Likely Pathogenic.

SingHealth Duke-NUS Institute of Precision Medicine
Classification: Likely pathogenic for Macular dystrophy with or without cone dysfunction. Last evaluated: 2025-02-05. Review status: criteria provided, single submitter. Criteria: PRISM ACMG Classification Criteria. Collection method: clinical testing. Allele origin: germline. Affected: yes.
Comment: Variant is located in a mutational hotspot where >50% of classified variants are pathogenic (PM1). Homozygous allele count in gnomAD exomes and genomes are less than 0 (PM2). REVEL score is 0.667 (PP3). Variant is found in trans with another pathogenic variant (PM3, PMID: 36690427)

Blueprint Genetics
Classification: Likely pathogenic for RDH12-related disorders. Last evaluated: 2024-10-08. Review status: criteria provided, single submitter. Criteria: ACMG Guidelines, 2015. Collection method: clinical testing. Allele origin: germline. Affected: yes. Observed: 5 variant alleles.

Fulgent Genetics
Classification: Likely pathogenic for Leber congenital amaurosis 13. Last evaluated: 2024-04-11. Review status: criteria provided, single submitter. Criteria: ACMG Guidelines, 2015. Collection method: clinical testing. Allele origin: germline.

Women's Health and Genetics/Laboratory Corporation of America, LabCorp
Classification: Likely pathogenic for Leber congenital amaurosis. Last evaluated: 2023-04-05. Review status: criteria provided, single submitter. Criteria: LabCorp Variant Classification Summary - May 2015. Collection method: clinical testing. Allele origin: germline.
Comment: Variant summary: RDH12 c.806C>G (p.Ala269Gly) results in a non-conservative amino acid change in the encoded protein sequence. Five of five in-silico tools predict a damaging effect of the variant on protein function. The variant allele was found at a frequency of 0.00026 in 239508 control chromosomes, predominantly at a frequency of 0.0035 within the East Asian subpopulation in the gnomAD database. The observed variant frequency within East Asian control individuals in the gnomAD database is approximately 2-fold of the estimated maximal expected allele frequency for a pathogenic variant in RDH12 causing Leber Congenital Amaurosis phenotype (0.0016), suggesting that the variant is a benign polymorphism found primarily in populations of East Asian origin. However, c.806C>G has been reported in the literature in at least eleven, comprehensively genotyped, compound heterozygous individuals of East Asian descent affected with a later-onset mild retinopathy characterized by central macular atrophy (e.g., Xin_2016, Huang_2016, Wang_2022, Kuo_2023). These data indicate that the variant is likely to be associated with disease. To our knowledge, no experimental evidence demonstrating an impact on protein function has been reported. Three ClinVar submitters (evaluation after 2014) have cited the variant with conflicting assessments (VUS, n = 2; likely benign, n = 1). The available evidence suggests this variant represents a hypomorphic allele that causes an later-onset retinopathy phenotype characterized by macular atrophy. Based on the evidence outlined above, the variant was classified as likely pathogenic.

Literature cited by the submitters: PubMed 26992781 (cited by 4 submitters); PubMed 33608557 (cited by 3 submitters); PubMed 35994252 (cited by 3 submitters); PubMed 36690427 (cited by 3 submitters); PubMed 39142122 (cited by Natera, Inc.); PubMed 26848971 (cited by Women's Health and Genetics/Laboratory Corporation of America, LabCorp).